The following is an entry in ClinVar:

NM_022166.4(XYLT1):c.127G>C (p.Gly43Arg)

Gene: XYLT1 (xylosyltransferase 1; minus strand). Cytogenetic location: 16p12.3.
Variant type: single nucleotide variant.
Coding change: c.127G>C on transcript NM_022166.4 (MANE Select); coding-DNA position 127, G replaced by C.
Protein change: p.Gly43Arg; replaces glycine 43 with arginine.
Molecular consequence: missense variant.
Genome position (GRCh38, 1-based): chr16:17,470,670, C>G on the plus strand (G>C on the coding strand, the complement: XYLT1 is on the minus strand). VCF-style: chr16-17470670-C-G. GRCh37 (hg19) VCF-style: chr16-17564527-C-G.
Other names: short protein forms G43R.
Identifiers: ClinVar variation 3624747 (VCV003624747.2).
Genomic context (GRCh38, chr16:17,470,670, plus strand): 5'-GGGCCGGGGCCGGGGGCGGCTGCTCCCCGCCGCCGACCGCTGCGCCCCCGCGGCGCTCCC[C>G]GGCCCCGGAGTCGAGGCTGCTGAAATTCCACACGACCAGCGTCTGCAGCAGCAGCACCGT-3'
Protein context (NP_071449.1, residues 33-53): WNFSSLDSGA[Gly43Arg]ERRGGAAVGG

ClinVar aggregate classification (germline): Uncertain significance (1 of 4 stars; one submission).

Conditions:
Desbuquois dysplasia 1 (DBQD1). Also called: DESBUQUOIS DYSPLASIA 1, KIM VARIANT; MICROMELIC DWARFISM WITH VERTEBRAL AND METAPHYSEAL ABNORMALITIES AND ADVANCED CARPOTARSAL OSSIFICATION. Identifiers: Orphanet 1425, MedGen C4012146, MONDO:0009629, OMIM 251450.

Submission:

Labcorp Genetics (formerly Invitae), Labcorp
Classification: Uncertain significance for Desbuquois dysplasia 1. Last evaluated: 2024-11-03. Review status: criteria provided, single submitter. Criteria: Invitae Variant Classification Sherloc (09022015). Collection method: clinical testing. Allele origin: germline.
Comment: This sequence change replaces glycine, which is neutral and non-polar, with arginine, which is basic and polar, at codon 43 of the XYLT1 protein (p.Gly43Arg). This variant is not present in population databases (gnomAD no frequency). This variant has not been reported in the literature in individuals affected with XYLT1-related conditions. Experimental studies and prediction algorithms are not available or were not evaluated, and the functional significance of this variant is currently unknown. In summary, the available evidence is currently insufficient to determine the role of this variant in disease. Therefore, it has been classified as a Variant of Uncertain Significance.